The following is an entry in ClinVar:

ClinVar aggregate classification (germline): Benign (0 of 4 stars; one submission).

Conditions:
SIRT3-related disorder. Also called: SIRT3-related condition.

Allele frequency attached by ClinVar (database versions not stated): 1000 Genomes Project 30x 0.11212; 1000 Genomes Project 0.11502; ESP Exome Variant Server 0.15547.
gnomAD v4.1: 311,519 of 1,611,950 alleles (19%); highest among the groups gnomAD compares: Middle Eastern, 23%; 32,023 homozygotes.

Submission:

PreventionGenetics, part of Exact Sciences
Classification: Benign for SIRT3-related condition. Last evaluated: 2019-10-23. Review status: no assertion criteria provided. Collection method: clinical testing. Allele origin: germline.
Comment: This variant is classified as benign based on ACMG/AMP sequence variant interpretation guidelines (Richards et al. 2015 PMID: 25741868, with internal and published modifications).

NM_012239.6(SIRT3):c.477G>T (p.Ser159=)

Gene: SIRT3 (sirtuin 3; minus strand). Cytogenetic location: 11p15.5.
Variant type: single nucleotide variant.
Coding change: c.477G>T on transcript NM_012239.6 (MANE Select); coding-DNA position 477, G replaced by T.
Protein change: p.Ser159=; no amino-acid change (serine 159 retained).
Molecular consequence: synonymous variant. On other transcripts: non-coding transcript variant (17), intron variant (2).
Genome position (GRCh38, 1-based): chr11:233,212, C>A on the plus strand (G>T on the coding strand, the complement: SIRT3 is on the minus strand). VCF-style: chr11-233212-C-A. GRCh37 (hg19) VCF-style: chr11-233212-C-A.
Other names: c.51G>T, p.Ser17= (NM_001017524.3, NM_001370318.1, NM_001370319.1 and 6 more transcripts); c.477G>T, p.Ser159= (NM_001370310.1, NM_001370314.1); c.285G>T, p.Ser95= (NM_001370312.1); c.234G>T, p.Ser78= (NM_001370315.1); c.-10+3404G>T (NM_001370317.1); c.135+2982G>T (NM_001370316.1).
Identifiers: ClinVar variation 3060621 (VCV003060621.2), dbSNP rs11555236, ClinGen allele CA5771183.
Genomic context (GRCh38, chr11:233,212, plus strand): 5'-AATGGCCTCGGGGTACGGGAGATCGTACTGCTGGAGGTTGCTGTACAGGCCACTCCCCGG[C>A]GATCTGCAGGGAGAGAAGAAAGGCTCTGAGGCCTTTGGAAGAGGACAGGGAAGTGGAATA-3'
Protein context (NP_036371.1, residues 149-169): STPSGIPDFR[Ser159=]PGSGLYSNLQ